The following is an entry in ClinVar:

NM_001367624.2(ZNF469):c.5588C>T (p.Ser1863Phe)

Gene: ZNF469 (zinc finger protein 469; plus strand). Cytogenetic location: 16q24.2.
Variant type: single nucleotide variant.
Coding change: c.5588C>T on transcript NM_001367624.2 (MANE Select); coding-DNA position 5588, C replaced by T.
Protein change: p.Ser1863Phe; replaces serine 1863 with phenylalanine.
Molecular consequence: missense variant.
Genome position (GRCh38, 1-based): chr16:88,433,058, C>T. VCF-style: chr16-88433058-C-T. GRCh37 (hg19) VCF-style: chr16-88499466-C-T.
Other names: NM_001127464.1:c.5504C>T; short protein forms S1863F.
Identifiers: ClinVar variation 3987286 (VCV003987286.1).

ClinVar aggregate classification (germline): Uncertain significance (1 of 4 stars; one submission).

Conditions:
Cardiovascular phenotype. Identifiers: MedGen CN230736.

Submission:

Ambry Genetics
Classification: Uncertain significance for Cardiovascular phenotype. Last evaluated: 2025-06-10. Review status: criteria provided, single submitter. Criteria: Ambry Variant Classification Scheme 2023. Collection method: clinical testing. Allele origin: germline.
Comment: The p.S1835F variant (also known as c.5504C>T), located in coding exon 2 of the ZNF469 gene, results from a C to T substitution at nucleotide position 5504. The serine at codon 1835 is replaced by phenylalanine, an amino acid with highly dissimilar properties. This amino acid position is conserved. In addition, this alteration is predicted to be tolerated by in silico analysis. Based on the available evidence, the clinical significance of this variant remains unclear.